The following is an entry in ClinVar:

ClinVar aggregate classification (germline): Likely benign (0 of 4 stars; one submission).

Conditions:
IRAK1-related disorder. Also called: IRAK1-related condition.

Allele frequency attached by ClinVar (database versions not stated): TOPMed below 0.00001; gnomAD 0.00002.
gnomAD v4.1: 18 of 1,001,667 alleles (0.0018%); highest among the groups gnomAD compares: Non-Finnish European, 0.0023%; no homozygotes.

Submission:

PreventionGenetics, part of Exact Sciences
Classification: Likely benign for IRAK1-related condition. Last evaluated: 2019-05-28. Review status: no assertion criteria provided. Collection method: clinical testing. Allele origin: germline.
Comment: This variant is classified as likely benign based on ACMG/AMP sequence variant interpretation guidelines (Richards et al. 2015 PMID: 25741868, with internal and published modifications).

NM_001569.4(IRAK1):c.137-8C>A

Gene: IRAK1 (interleukin 1 receptor associated kinase 1; minus strand). Cytogenetic location: Xq28.
Variant type: single nucleotide variant.
Coding change: c.137-8C>A on transcript NM_001569.4 (MANE Select); 8 bases into the intron before coding-DNA position 137, C replaced by A.
Molecular consequence: intron variant. On other transcripts: synonymous variant (1).
Genome position (GRCh38, 1-based): chrX:154,019,606, G>T on the plus strand (C>A on the coding strand, the complement: IRAK1 is on the minus strand). VCF-style: chrX-154019606-G-T. GRCh37 (hg19) VCF-style: chrX-153285057-G-T.
Other names: c.207C>A, p.Arg69= (NM_001410701.1); c.137-8C>A (NM_001025243.2, NM_001025242.2).
Identifiers: ClinVar variation 3038674 (VCV003038674.2), dbSNP rs782636633, ClinGen allele CA10558387.